The following is an entry in ClinVar:

NM_018105.3(THAP1):c.140C>T (p.Pro47Leu)

Gene: THAP1 (THAP domain containing 1; minus strand). Cytogenetic location: 8p11.21.
Variant type: single nucleotide variant.
Coding change: c.140C>T on transcript NM_018105.3 (MANE Select); coding-DNA position 140, C replaced by T.
Protein change: p.Pro47Leu; replaces proline 47 with leucine.
Molecular consequence: missense variant. On other transcripts: intron variant (1).
Genome position (GRCh38, 1-based): chr8:42,839,313, G>A on the plus strand (C>T on the coding strand, the complement: THAP1 is on the minus strand). VCF-style: chr8-42839313-G-A. GRCh37 (hg19) VCF-style: chr8-42694456-G-A.
Other names: c.72-977C>T (NM_199003.2); short protein forms P47L.
Identifiers: ClinVar variation 2429696 (VCV002429696.1), dbSNP rs2487030513, ClinGen allele CA371108041.
Genomic context (GRCh38, chr8:42,839,313, plus strand): 5'-CACTCTCTCTTAAAGCAGTCTGGAGTAAAGTGCTCTGAACAAATACTGCTATACTTGGTG[G>A]GTTTAAAGTTTTTTCTTCTGACAGCTGCCTCCCATTCTTTACAAAGACTGGGTCGAGTAA-3'
Protein context (NP_060575.1, residues 37-57): EAAVRRKNFK[Pro47Leu]TKYSSICSEH

ClinVar aggregate classification (germline): Uncertain significance (1 of 4 stars; one submission).

Submission:

GeneDx
Classification: Uncertain significance. Last evaluated: 2022-08-08. Review status: criteria provided, single submitter. Criteria: GeneDx Variant Classification Process June 2021. Collection method: clinical testing. Allele origin: germline. Affected: yes.
Comment: Not observed at significant frequency in large population cohorts (gnomAD); In silico analysis supports that this missense variant has a deleterious effect on protein structure/function; Has not been previously published as pathogenic or benign to our knowledge